The following is an entry in ClinVar:

NM_032271.3(TRAF7):c.1288A>G (p.Lys430Glu)

Gene: TRAF7 (TNF receptor associated factor 7; plus strand). Cytogenetic location: 16p13.3.
Variant type: single nucleotide variant.
Coding change: c.1288A>G on transcript NM_032271.3 (MANE Select); coding-DNA position 1288, A replaced by G.
Protein change: p.Lys430Glu; replaces lysine 430 with glutamic acid.
Molecular consequence: missense variant.
Genome position (GRCh38, 1-based): chr16:2,174,275, A>G. VCF-style: chr16-2174275-A-G. GRCh37 (hg19) VCF-style: chr16-2224276-A-G.
Other names: short protein forms K430E.
Identifiers: ClinVar variation 1195332 (VCV001195332.8), dbSNP rs765386143, ClinGen allele CA394328971.

ClinVar aggregate classification (germline): Conflicting classifications of pathogenicity. Review status: criteria provided, conflicting classifications (1 of 4 stars). 3 submissions from 3 submitters: Pathogenic (1); Likely pathogenic (1); Uncertain significance (1). Last evaluated 2025-08-18.

Conditions:
TRAF7-related disorder. Also called: TRAF7-related condition.
Cardiac, facial, and digital anomalies with developmental delay. Identifiers: Orphanet 592570, MedGen C4748484, MONDO:0032572, OMIM 618164.

Submissions (3):

GeneDx
Classification: Pathogenic. Last evaluated: 2025-08-18. Review status: criteria provided, single submitter. Criteria: GeneDx Variant Classification Process June 2021. Collection method: clinical testing. Allele origin: germline. Affected: yes.
Comment: Not observed at significant frequency in large population cohorts (gnomAD); In silico analysis suggests that this missense variant does not alter protein structure/function; This variant is associated with the following publications: (PMID: 38466850)

3billion
Classification: Uncertain significance for Cardiac, facial, and digital anomalies with developmental delay. Last evaluated: 2025-03-18. Review status: criteria provided, single submitter. Criteria: ACMG Guidelines, 2015. Collection method: clinical testing. Allele origin: germline. Affected: yes.
Comment: The variant is not observed in the gnomAD v4.1.0 dataset.Predicted Consequence/Location: Missense changes are a common disease-causing mechanism. In silico tool predictions suggest damaging effect of the variant on gene or gene product [3Cnet: 0.88 (> 0.75, sensitivity 0.96 and precision 0.92)]. The same nucleotide change resulting in the same amino acid change has been previously reported to be associated with TRAF7-related disorder (ClinVar ID: VCV001195332). However, the evidence of pathogenicity is insufficient at this time. Therefore, this variant is classified as VUS according to the recommendation of ACMG/AMP guideline.

PreventionGenetics, part of Exact Sciences
Classification: Likely pathogenic for TRAF7-related condition. Last evaluated: 2024-11-01. Review status: criteria provided, single submitter. Criteria: ACMG Guidelines, 2015. Collection method: clinical testing. Allele origin: germline.
Comment: The TRAF7 c.1288A>G variant is predicted to result in the amino acid substitution p.Lys430Glu. This variant was reported in at least two individuals in the apparently de novo state with clinical features consistent with TRAF7-related disorder including neurodevelopmental delay, hypotonia, hypertelorism, ptosis, micrognathia, hearing impairment, scoliosis and short stature (Patients 3, 4 in Pisan et al. 2024. PubMed ID: 38466850). This variant has not been reported in a large population database (gnomAD), indicating this variant is rare. This variant is interpreted as likely pathogenic.